The following is an entry in ClinVar:

NM_006946.4(SPTBN2):c.5639G>A (p.Arg1880His)

Gene: SPTBN2 (spectrin beta, non-erythrocytic 2; minus strand). Cytogenetic location: 11q13.2.
Variant type: single nucleotide variant.
Coding change: c.5639G>A on transcript NM_006946.4 (MANE Select); coding-DNA position 5639, G replaced by A.
Protein change: p.Arg1880His; replaces arginine 1880 with histidine.
Molecular consequence: missense variant.
Genome position (GRCh38, 1-based): chr11:66,690,210, C>T on the plus strand (G>A on the coding strand, the complement: SPTBN2 is on the minus strand). VCF-style: chr11-66690210-C-T. GRCh37 (hg19) VCF-style: chr11-66457681-C-T.
Other names: c.5639G>A (NM_006946.3); short protein forms R1880H.
Identifiers: ClinVar variation 305546 (VCV000305546.17), dbSNP rs35532855, ClinGen allele CA6128194.
Genomic context (GRCh38, chr11:66,690,210, plus strand): 5'-CGGCGGGCGGCAGAGCTTCCCTGAAGCTGGGCCCAGGCCTCGGCCACGGCCTGCATGTGG[C>T]GGCCGATCTCCTCAGCCTTGTCTCCAGCGTAGGCCTTCTGGAGCCGGTGGCCGTCGTCCT-3'
Protein context (NP_008877.2, residues 1870-1890): YAGDKAEEIG[Arg1880His]HMQAVAEAWA

ClinVar aggregate classification (germline): Benign/Likely benign. Review status: criteria provided, multiple submitters, no conflicts (2 of 4 stars). 5 submissions from 5 submitters: Benign (3); Likely benign (2). Last evaluated 2026-01-24.

Allele frequency attached by ClinVar (database versions not stated): 1000 Genomes Project 0.00978; 1000 Genomes Project 30x 0.01015; gnomAD 0.01604; TOPMed 0.01656; ESP Exome Variant Server 0.01849.
gnomAD v4.1: 35,394 of 1,613,734 alleles (2.2%); highest among the groups gnomAD compares: Non-Finnish European, 2.6%; 460 homozygotes.

Submissions (5):

Labcorp Genetics (formerly Invitae), Labcorp
Classification: Benign. Last evaluated: 2026-01-24. Review status: criteria provided, single submitter. Criteria: Invitae Variant Classification Sherloc (09022015). Collection method: clinical testing. Allele origin: germline.

Athena Diagnostics
Classification: Benign. Last evaluated: 2025-08-06. Review status: criteria provided, single submitter. Criteria: Athena Diagnostics Criteria. Collection method: clinical testing. Allele origin: unknown.
Comment: The frequency of this variant in the general population is higher than would generally be expected for pathogenic variants in this gene.

Mayo Clinic Laboratories, Mayo Clinic
Classification: Benign. Last evaluated: 2023-06-15. Review status: criteria provided, single submitter. Criteria: ACMG Guidelines, 2015. Collection method: clinical testing. Allele origin: germline. Observed: 27 variant alleles.
Comment: BS1, BS2, BP4

GeneDx
Classification: Likely benign. Last evaluated: 2021-05-05. Review status: criteria provided, single submitter. Criteria: GeneDx Variant Classification Process June 2021. Collection method: clinical testing. Allele origin: germline. Affected: yes.

Breakthrough Genomics
Classification: Likely benign. Review status: criteria provided, single submitter. Criteria: ACMG Guidelines, 2015. Collection method: not provided. Allele origin: germline. Inheritance: Autosomal recessive inheritance. Affected: yes.

Literature cited by the submitters: PubMed 17940722 (cited by Athena Diagnostics).